The following is an entry in ClinVar:

NM_000352.6(ABCC8):c.4384dup (p.Val1462fs)

Gene: ABCC8 (ATP binding cassette subfamily C member 8; minus strand). Cytogenetic location: 11p15.1.
Variant type: Duplication.
Coding change: c.4384dup on transcript NM_000352.6 (MANE Select); coding-DNA position 4384, one base duplicated (G; older notation c.4384dupG).
Protein change: p.Val1462fs; shifts the reading frame from valine 1462.
Molecular consequence: frameshift variant. On other transcripts: non-coding transcript variant (1).
Genome position (GRCh38, 1-based): chr11:17,395,199, C duplicated on the plus strand (G on the coding strand, the reverse complement: ABCC8 is on the minus strand); the first of 2 consecutive C bases (chr11:17,395,199-17,395,200); duplicating either gives the same sequence. VCF-style (leftmost placement, unchanged base first): chr11-17395198-A-AC. GRCh37 (hg19) VCF-style: chr11-17416745-A-AC.
Other names: p.Val1463GlyfsTer51; c.4387dup, p.Val1463fs (NM_001287174.3); c.4450dup, p.Val1484fs (NM_001351295.2); c.4384dup, p.Val1462fs (NM_001351296.2); c.4381dup, p.Val1461fs (NM_001351297.2); short protein forms V1461fs, V1462fs, V1463fs, V1484fs.
Identifiers: ClinVar variation 4682121 (VCV004682121.1).

ClinVar aggregate classification (germline): Pathogenic (1 of 4 stars; one submission).

Conditions:
Hyperinsulinemic hypoglycemia, familial, 1 (HHF1). Also called: Persistent hyperinsulinemic hypoglycemia of infancy; HYPERINSULINISM, FAMILIAL, WITH PANCREATIC NESIDIOBLASTOSIS; HYPOGLYCEMIA, HYPERINSULINEMIC, OF INFANCY; NESIDIOBLASTOSIS OF PANCREAS; Persistent Hyperinsulinemia Hypoglycemia of Infancy. Identifiers: Orphanet 276575, Orphanet 276598, MedGen C2931832, MONDO:0009734, OMIM 256450.

Submission:

Molecular Genetics and NGS Laboratory, Hospital Fundacion Valle Del Lili
Classification: Pathogenic for Hyperinsulinemic hypoglycemia, familial, 1. Last evaluated: 2026-01-02. Review status: criteria provided, single submitter. Criteria: ACMG Guidelines, 2015. Collection method: clinical testing. Allele origin: unknown. Inheritance: Autosomal recessive inheritance. Affected: yes.
Comment: According to those ACMG criteria, this variant should be classified as pathogenic: PVS1: Null variant (frame-shift) in gene ABCC8, predicted to cause NMD. Loss-of-function is a known mechanism of disease (gene has 370 reported pathogenic LOF variants). The exon affects 1 functional domain: UniProt protein ABCC8_HUMAN domain 'ABC transporter 2'. The exon contains 12 pathogenic variants. The truncated region contains 61 pathogenic variants. PM1: Variant is located in a functional domain (NBD2 domain in SUR1) and a highly conserved region (phyloP100: 9.325). PM2: Variant not found in gnomAD genomes, good gnomAD genomes coverage = 32.1. GnomAD exomes homozygous allele count = 0 is less than 2 for AD/AR gene ABCC8, good gnomAD exomes coverage = 36.4. PM3: The familial hyperinsulinemic hypoglycemia type 1 phenotype has two modes of inheritance (AD, AR). PP4: The clinical data were highly suggestive of a familial hyperinsulinemic hypoglycemia.